The following is an entry in ClinVar:

NM_182916.3(TRNT1):c.342+94A>G

Gene: TRNT1 (tRNA nucleotidyl transferase 1; plus strand). Cytogenetic location: 3p26.2.
Variant type: single nucleotide variant.
Coding change: c.342+94A>G on transcript NM_182916.3 (MANE Select); 94 bases into the intron after coding-DNA position 342, A replaced by G.
Molecular consequence: intron variant.
Genome position (GRCh38, 1-based): chr3:3,137,547, A>G. VCF-style: chr3-3137547-A-G. GRCh37 (hg19) VCF-style: chr3-3179231-A-G.
Other names: c.342+94A>G (NM_001367321.1, NM_001367323.1, NM_001367322.1 and 1 more transcripts).
Identifiers: ClinVar variation 677598 (VCV000677598.1), dbSNP rs146715294, ClinGen allele CA68726921.

ClinVar aggregate classification (germline): Likely benign (1 of 4 stars; one submission).

Allele frequency attached by ClinVar (database versions not stated): gnomAD exomes 0.00058; 1000 Genomes Project 0.00639; gnomAD 0.00663 and 0.00706; TOPMed 0.00706; 1000 Genomes Project 30x 0.00765.
gnomAD v4.1: 1,602 of 1,111,744 alleles (0.14%); highest among the groups gnomAD compares: African/African-American, 2.2%; 17 homozygotes.

Submission:

GeneDx
Classification: Likely benign. Last evaluated: 2018-06-14. Review status: criteria provided, single submitter. Criteria: GeneDx Variant Classification (06012015). Collection method: clinical testing. Allele origin: germline. Affected: yes.
Comment: This variant is considered likely benign or benign based on one or more of the following criteria: it is a conservative change, it occurs at a poorly conserved position in the protein, it is predicted to be benign by multiple in silico algorithms, and/or has population frequency not consistent with disease.